The following is an entry in ClinVar:

ClinVar aggregate classification (germline): Pathogenic. Review status: criteria provided, multiple submitters, no conflicts (2 of 4 stars). 3 submissions from 3 submitters: Pathogenic (3). Last evaluated 2020-03-16.

Conditions:
BAP1-related tumor predisposition syndrome (TPDS1). Also called: Tumor susceptibility linked to germline BAP1 mutations; BAP1 tumor predisposition syndrome; COMMON Syndrome; TUMOR PREDISPOSITION SYNDROME 1. Identifiers: Orphanet 289539, MedGen C3280492, MONDO:0013692, OMIM 614327.
Hereditary cancer-predisposing syndrome. Also called: Neoplastic Syndromes, Hereditary; Tumor predisposition; Hereditary Cancer Syndrome; Hereditary neoplastic syndrome. Identifiers: Orphanet 140162, MedGen C0027672, MeSH D009386, MONDO:0015356.

Submissions (3):

Genetic Services Laboratory, University of Chicago
Classification: Pathogenic. Last evaluated: 2020-03-16. Review status: criteria provided, single submitter. Criteria: ACMG Guidelines, 2015. Collection method: clinical testing. Allele origin: germline. Affected: yes.
Comment: DNA sequence analysis of the BAP1 gene demonstrated a single base pair duplication in exon 3, c.79dup. This sequence change results in an amino acid frameshift and creates a premature stop codon 41 amino acids downstream of the change, p.Val27Glyfs*42. This sequence change is predicted to result in an abnormal transcript, which may be degraded, or may lead to the production of a truncated BAP1 protein with potentially abnormal function. This duplication has not been described in population databases (gnomAD, ExAC). The p.Val27Glyfs*42 change has previously been described in a patient with peritoneal mesothelioma, and a family history of leukemia, breast, and brain cancer (PMID: 28793149). This duplication has also been reported to segregate with a uveal melanoma phenotype in one family (PMID: 23341325). These collective evidences indicate that this sequence change is pathogenic, however functional studies have not been performed to prove this conclusively.

Labcorp Genetics (formerly Invitae), Labcorp
Classification: Pathogenic for BAP1-related tumor predisposition syndrome. Last evaluated: 2019-10-30. Review status: criteria provided, single submitter. Criteria: Invitae Variant Classification Sherloc (09022015). Collection method: clinical testing. Allele origin: germline.
Comment: For these reasons, this variant has been classified as Pathogenic. Loss-of-function variants in BAP1 are known to be pathogenic (PMID: 21874000, 23684012). This variant has been observed in individuals with BAP1-related cancer (PMID: 23341325, 28793149). It has also been observed to segregate with disease in related individuals. This variant is also known in the literature as c.75insG (p.Lys25fsX43). ClinVar contains an entry for this variant (Variation ID: 485291). This variant is not present in population databases (ExAC no frequency). This sequence change creates a premature translational stop signal (p.Val27Glyfs*42) in the BAP1 gene. It is expected to result in an absent or disrupted protein product.

Ambry Genetics
Classification: Pathogenic for Hereditary cancer-predisposing syndrome. Last evaluated: 2016-08-09. Review status: criteria provided, single submitter. Criteria: Ambry Variant Classification Scheme 2023. Collection method: clinical testing. Allele origin: germline.
Comment: The c.79dupG pathogenic mutation, located in coding exon 3 of the BAP1 gene, results from a duplication of G at nucleotide position 79, causing a translational frameshift with a predicted alternate stop codon. This mutation was reported to co-segregate with multiple cases of uveal melanoma in a family (H&ouml;iom V et al. Genes Chromosomes Cancer, 2013 Apr;52:378-84). In addition to the clinical data presented in the literature, this alteration is expected to result in loss of function by premature protein truncation or nonsense-mediated mRNA decay. As such, this alteration is interpreted as a disease-causing mutation.

Literature cited by the submitters: PubMed 21874000 (cited by Labcorp Genetics (formerly Invitae), Labcorp); PubMed 23684012 (cited by Labcorp Genetics (formerly Invitae), Labcorp); PubMed 23341325 (cited by Labcorp Genetics (formerly Invitae), Labcorp and Ambry Genetics); PubMed 28793149 (cited by Labcorp Genetics (formerly Invitae), Labcorp).

NM_004656.4(BAP1):c.79dup (p.Val27fs)

Gene: BAP1 (BRCA1 associated deubiquitinase 1; minus strand). Cytogenetic location: 3p21.1.
Variant type: Duplication.
Coding change: c.79dup on transcript NM_004656.4 (MANE Select); coding-DNA position 79, one base duplicated (G; older notation c.79dupG).
Protein change: p.Val27fs; shifts the reading frame from valine 27.
Molecular consequence: frameshift variant.
Genome position (GRCh38, 1-based): chr3:52,409,597, C duplicated on the plus strand (G on the coding strand, the reverse complement: BAP1 is on the minus strand); the first of 5 consecutive C bases (chr3:52,409,597-52,409,601); duplicating any one gives the same sequence. VCF-style (leftmost placement, unchanged base first): chr3-52409596-A-AC. GRCh37 (hg19) VCF-style: chr3-52443612-A-AC.
Other names: c.79dup (LRG_529t1); c.79dupG (NM_004656.2); short protein forms V27fs.
Identifiers: ClinVar variation 485291 (VCV000485291.14), dbSNP rs397509413, ClinGen allele CA658657316.